The following is an entry in ClinVar:

ClinVar aggregate classification (germline): Benign (0 of 4 stars; one submission).

Conditions:
BAZ2B-related disorder. Also called: BAZ2B-related condition.

Allele frequency attached by ClinVar (database versions not stated): gnomAD exomes 0.22233; ExAC 0.23043; TOPMed 0.23718; ESP Exome Variant Server 0.23903; gnomAD 0.23904; 1000 Genomes Project 0.25060; 1000 Genomes Project 30x 0.25078.
gnomAD v4.1: 360,383 of 1,606,358 alleles (22%); highest among the groups gnomAD compares: Middle Eastern, 29%; 41,452 homozygotes.

Submissions (2):

PreventionGenetics, part of Exact Sciences
Classification: Benign for BAZ2B-related condition. Last evaluated: 2019-10-21. Review status: no assertion criteria provided. Collection method: clinical testing. Allele origin: germline.
Comment: This variant is classified as benign based on ACMG/AMP sequence variant interpretation guidelines (Richards et al. 2015 PMID: 25741868, with internal and published modifications).

Dr. Peter K. Rogan Lab, Western University
No classification provided (evidence only). Condition: Malignant lymphoma, large B-cell, diffuse. Review status: no classification provided. Collection method: in vitro. Allele origin: not applicable. Functional consequence: retained intron. Not counted in ClinVar's aggregate classification.

NM_013450.4(BAZ2B):c.6071G>A (p.Ser2024Asn)

Gene: BAZ2B (bromodomain adjacent to zinc finger domain 2B; minus strand). Cytogenetic location: 2q24.2.
Variant type: single nucleotide variant.
Coding change: c.6071G>A on transcript NM_013450.4 (MANE Select); coding-DNA position 6071, G replaced by A.
Protein change: p.Ser2024Asn; replaces serine 2024 with asparagine.
Molecular consequence: missense variant.
Genome position (GRCh38, 1-based): chr2:159,325,791, C>T on the plus strand (G>A on the coding strand, the complement: BAZ2B is on the minus strand). VCF-style: chr2-159325791-C-T. GRCh37 (hg19) VCF-style: chr2-160182302-C-T.
Other names: NC_000002.11:g.160182302C>T; c.5963G>A, p.Ser1988Asn (NM_001289975.1); c.6014G>A, p.Ser2005Asn (NM_001329857.2); c.5996G>A, p.Ser1999Asn (NM_001329858.2); short protein forms S1988N, S1999N, S2005N, S2024N.
Identifiers: ClinVar variation 3056167 (VCV003056167.3), dbSNP rs415793, ClinGen allele CA1923706.